The following is an entry in ClinVar:

ClinVar aggregate classification (germline): Benign (0 of 4 stars; one submission).

Conditions:
MGLL-related disorder. Also called: MGLL-related condition.

Allele frequency attached by ClinVar (database versions not stated): gnomAD exomes 0.00011; gnomAD 0.00032; ExAC 0.00058; 1000 Genomes Project 30x 0.00125; 1000 Genomes Project 0.00140.
gnomAD v4.1: 241 of 1,614,058 alleles (0.015%); highest among the groups gnomAD compares: East Asian, 0.37%; 1 homozygote.

Submission:

PreventionGenetics, part of Exact Sciences
Classification: Benign for MGLL-related condition. Last evaluated: 2019-09-30. Review status: no assertion criteria provided. Collection method: clinical testing. Allele origin: germline.
Comment: This variant is classified as benign based on ACMG/AMP sequence variant interpretation guidelines (Richards et al. 2015 PMID: 25741868, with internal and published modifications).

NM_007283.7(MGLL):c.255C>T (p.His85=)

Gene: MGLL (monoglyceride lipase; minus strand). Cytogenetic location: 3q21.3.
Variant type: single nucleotide variant.
Coding change: c.255C>T on transcript NM_007283.7 (MANE Select); coding-DNA position 255, C replaced by T.
Protein change: p.His85=; no amino-acid change (histidine 85 retained).
Molecular consequence: synonymous variant. On other transcripts: 5 prime UTR variant (3).
Genome position (GRCh38, 1-based): chr3:127,781,796, G>A on the plus strand (C>T on the coding strand, the complement: MGLL is on the minus strand). VCF-style: chr3-127781796-G-A. GRCh37 (hg19) VCF-style: chr3-127500639-G-A.
Other names: c.225C>T, p.His75= (NM_001003794.3, NM_001388313.1, NM_001388314.1 and 1 more transcripts); c.255C>T, p.His85= (NM_001256585.2, NM_001388312.1); c.-43C>T (NM_001388315.1, NM_001388317.1, NM_001388318.1).
Identifiers: ClinVar variation 3040469 (VCV003040469.2), dbSNP rs75396122, ClinGen allele CA2597706.